The following is an entry in ClinVar:

ClinVar aggregate classification (germline): Benign. Review status: criteria provided, multiple submitters, no conflicts (2 of 4 stars). 3 submissions from 3 submitters: Benign (3). Last evaluated 2026-02-01.

Allele frequency attached by ClinVar (database versions not stated): 1000 Genomes Project 30x 0.00156; 1000 Genomes Project 0.00200; TOPMed 0.00349; gnomAD 0.00353 and 0.00383; ESP Exome Variant Server 0.00461; gnomAD exomes 0.00504 and 0.00650; ExAC 0.00607.
gnomAD v4.1: 8,156 of 1,614,118 alleles (0.51%); highest among the groups gnomAD compares: South Asian, 1.4%; 93 homozygotes.

Submissions (3):

Labcorp Genetics (formerly Invitae), Labcorp
Classification: Benign. Last evaluated: 2026-02-01. Review status: criteria provided, single submitter. Criteria: Invitae Variant Classification Sherloc (09022015). Collection method: clinical testing. Allele origin: germline.

CeGaT Center for Human Genetics Tuebingen
Classification: Benign. Last evaluated: 2023-05-01. Review status: criteria provided, single submitter. Criteria: CeGaT Center For Human Genetics Tuebingen Variant Classification Criteria Version 2. Collection method: clinical testing. Allele origin: germline. Affected: yes. Observed: 1 variant allele.
Comment: IFT52: BP4, BP7, BS1, BS2

Breakthrough Genomics
Classification: Benign. Review status: criteria provided, single submitter. Criteria: ACMG Guidelines, 2015. Collection method: not provided. Allele origin: germline. Inheritance: Autosomal recessive inheritance. Affected: yes.

NM_016004.5(IFT52):c.520T>C (p.Leu174=)

Gene: IFT52 (intraflagellar transport 52; plus strand). Cytogenetic location: 20q13.12.
Variant type: single nucleotide variant.
Coding change: c.520T>C on transcript NM_016004.5 (MANE Select); coding-DNA position 520, T replaced by C.
Protein change: p.Leu174=; no amino-acid change (leucine 174 retained).
Molecular consequence: synonymous variant. On other transcripts: 5 prime UTR variant (4).
Genome position (GRCh38, 1-based): chr20:43,613,884, T>C. VCF-style: chr20-43613884-T-C. GRCh37 (hg19) VCF-style: chr20-42242524-T-C.
Other names: c.520T>C, p.Leu174= (NM_001303458.3, NM_001303459.3); c.-9T>C (NM_001323578.2, NM_001323580.2); c.-245T>C (NM_001323579.2, NM_001323581.2).
Identifiers: ClinVar variation 715700 (VCV000715700.34), dbSNP rs146213304, ClinGen allele CA9866914.
Genomic context (GRCh38, chr20:43,613,884, plus strand): 5'-GAATGTGTTTCTTTAATTTCTTACAGGGCTCTCACCTTTGTGTATCCTTTTGGTGCCACA[T>C]TGAGTGTCATGAAACCAGCAGTGGCGGTTCTGTCTACAGGTTCTGTCTGCTTCCCACTTA-3'
Protein context (NP_057088.2, residues 164-184): LTFVYPFGAT[Leu174=]SVMKPAVAVL